The following is an entry in ClinVar:

ClinVar aggregate classification (germline): Uncertain significance. Review status: criteria provided, multiple submitters, no conflicts (2 of 4 stars). 2 submissions from 2 submitters: Uncertain significance (2). Last evaluated 2025-08-11.

Conditions:
Multiple endocrine neoplasia type 4. Also called: MULTIPLE ENDOCRINE NEOPLASIA, TYPE IV. Identifiers: Orphanet 276152, MedGen C1970712, MONDO:0012552, OMIM 610755.
Hereditary cancer-predisposing syndrome. Also called: Neoplastic Syndromes, Hereditary; Tumor predisposition; Hereditary neoplastic syndrome; Hereditary Cancer Syndrome. Identifiers: Orphanet 140162, MedGen C0027672, MeSH D009386, MONDO:0015356.

Submissions (2):

Labcorp Genetics (formerly Invitae), Labcorp
Classification: Uncertain significance for Multiple endocrine neoplasia type 4. Last evaluated: 2025-08-11. Review status: criteria provided, single submitter. Criteria: Invitae Variant Classification Sherloc (09022015). Collection method: clinical testing. Allele origin: germline.
Comment: This sequence change replaces glutamic acid, which is acidic and polar, with valine, which is neutral and non-polar, at codon 80 of the CDKN1B protein (p.Glu80Val). This variant is not present in population databases (gnomAD no frequency). This variant has not been reported in the literature in individuals affected with CDKN1B-related conditions. ClinVar contains an entry for this variant (Variation ID: 1790672). An algorithm developed to predict the effect of missense changes on protein structure and function (PolyPhen-2) suggests that this variant is likely to be disruptive. In summary, the available evidence is currently insufficient to determine the role of this variant in disease. Therefore, it has been classified as a Variant of Uncertain Significance.

Ambry Genetics
Classification: Uncertain significance for Hereditary cancer-predisposing syndrome. Last evaluated: 2024-03-24. Review status: criteria provided, single submitter. Criteria: Ambry Variant Classification Scheme 2023. Collection method: clinical testing. Allele origin: germline.
Comment: The p.E80V variant (also known as c.239A>T), located in coding exon 1 of the CDKN1B gene, results from an A to T substitution at nucleotide position 239. The glutamic acid at codon 80 is replaced by valine, an amino acid with dissimilar properties. This amino acid position is conserved. In addition, the in silico prediction for this alteration is inconclusive. Since supporting evidence is limited at this time, the clinical significance of this alteration remains unclear.

NM_004064.5(CDKN1B):c.239A>T (p.Glu80Val)

Gene: CDKN1B (cyclin dependent kinase inhibitor 1B; plus strand). Cytogenetic location: 12p13.1.
Variant type: single nucleotide variant.
Coding change: c.239A>T on transcript NM_004064.5 (MANE Select); coding-DNA position 239, A replaced by T.
Protein change: p.Glu80Val; replaces glutamic acid 80 with valine.
Molecular consequence: missense variant.
Genome position (GRCh38, 1-based): chr12:12,718,078, A>T. VCF-style: chr12-12718078-A-T. GRCh37 (hg19) VCF-style: chr12-12871012-A-T.
Other names: short protein forms E80V.
Identifiers: ClinVar variation 1790672 (VCV001790672.4), dbSNP rs1253732337, ClinGen allele CA383969737.